The following is an entry in ClinVar:

ClinVar aggregate classification (germline): Benign (1 of 4 stars; one submission).

Conditions:
Neuropathy, hereditary sensory and autonomic, type 1C. Also called: HSAN IC; HSN IC. Identifiers: Orphanet 36386, MedGen C3150896, MONDO:0013337, OMIM 613640.

Allele frequency attached by ClinVar (database versions not stated): 1000 Genomes Project 30x 0.00250; 1000 Genomes Project 0.00319; gnomAD 0.00454 and 0.00491; TOPMed 0.00544.

Submission:

Illumina Laboratory Services, Illumina
Classification: Benign for Neuropathy, hereditary sensory and autonomic, type 1C. Last evaluated: 2018-01-13. Review status: criteria provided, single submitter. Criteria: ICSL Variant Classification Criteria 13 December 2019. Collection method: clinical testing. Allele origin: germline.
Comment: This variant was observed in the ICSL laboratory as part of a predisposition screen in an ostensibly healthy population. It had not been previously curated by ICSL or reported in the Human Gene Mutation Database (HGMD: prior to June 1st, 2018), and was therefore a candidate for classification through an automated scoring system. Utilizing variant allele frequency, disease prevalence and penetrance estimates, and inheritance mode, an automated score was calculated to assess if this variant is too frequent to cause the disease. Based on the score and internal cut-off values, a variant classified as benign is not then subjected to further curation. The score for this variant resulted in a classification of benign for this disease.

NM_004863.4(SPTLC2):c.*3526A>T

Gene: SPTLC2 (serine palmitoyltransferase long chain base subunit 2; minus strand). Cytogenetic location: 14q24.3.
Variant type: single nucleotide variant.
Coding change: c.*3526A>T on transcript NM_004863.4 (MANE Select); 3526 bases downstream of the stop codon, A replaced by T.
Molecular consequence: 3 prime UTR variant.
Genome position (GRCh38, 1-based): chr14:77,508,758, T>A on the plus strand (A>T on the coding strand, the complement: SPTLC2 is on the minus strand). VCF-style: chr14-77508758-T-A. GRCh37 (hg19) VCF-style: chr14-77975101-T-A.
Identifiers: ClinVar variation 314605 (VCV000314605.5), dbSNP rs530009301, ClinGen allele CA10646369.